The following is an entry in ClinVar:

NM_005917.4(MDH1):c.200-5C>A

Genes: MDH1 (malate dehydrogenase 1; plus strand), WDPCP (WD repeat containing planar cell polarity effector; minus strand). Cytogenetic location: 2p15.
Variant type: single nucleotide variant.
Coding change: c.200-5C>A on transcript NM_005917.4 (MANE Select); 5 bases into the intron before coding-DNA position 200, C replaced by A.
Molecular consequence: intron variant.
Genome position (GRCh38, 1-based): chr2:63,597,394, C>A. VCF-style: chr2-63597394-C-A. GRCh37 (hg19) VCF-style: chr2-63824528-C-A.
Other names: NC_000002.11:g.63824528C>A; c.-68-5C>A (NM_001199112.2); c.200-5C>A (NM_001316374.2); c.254-5C>A (NM_001199111.2).
Identifiers: ClinVar variation 1694958 (VCV001694958.32), dbSNP rs78810459, ClinGen allele CA1682783.

ClinVar aggregate classification (germline): Likely benign (1 of 4 stars; one submission).

Allele frequency attached by ClinVar (database versions not stated): TOPMed 0.00028; gnomAD 0.00030 and 0.00017; gnomAD exomes 0.00035 and 0.00026; ExAC 0.00046; 1000 Genomes Project 30x 0.00156; 1000 Genomes Project 0.00160.
gnomAD v4.1: 359 of 1,384,644 alleles (0.026%); highest among the groups gnomAD compares: East Asian, 0.94%; 2 homozygotes.

Submissions (8):

CeGaT Center for Human Genetics Tuebingen
Classification: Likely benign. Last evaluated: 2022-06-01. Review status: criteria provided, single submitter. Criteria: CeGaT Center For Human Genetics Tuebingen Variant Classification Criteria Version 2. Collection method: clinical testing. Allele origin: germline. Affected: yes. Observed: 1 variant allele.
Comment: MDH1: BP4

Dr. Peter K. Rogan Lab, Western University
No classification provided (evidence only). Condition: Colon adenocarcinoma. Review status: no classification provided. Collection method: in vitro. Allele origin: not applicable. Functional consequence: skipped exon. Not counted in ClinVar's aggregate classification.

Dr. Peter K. Rogan Lab, Western University
No classification provided (evidence only). Condition: Gastric cancer. Review status: no classification provided. Collection method: in vitro. Allele origin: not applicable. Functional consequence: retained intron. Not counted in ClinVar's aggregate classification.

Dr. Peter K. Rogan Lab, Western University
No classification provided (evidence only). Condition: Malignant tumor of esophagus. Review status: no classification provided. Collection method: in vitro. Allele origin: not applicable. Functional consequence: skipped exon. Not counted in ClinVar's aggregate classification.

Dr. Peter K. Rogan Lab, Western University
No classification provided (evidence only). Condition: Malignant tumor of esophagus. Review status: no classification provided. Collection method: in vitro. Allele origin: not applicable. Functional consequence: retained intron. Not counted in ClinVar's aggregate classification.

Dr. Peter K. Rogan Lab, Western University
No classification provided (evidence only). Condition: Familial pancreatic carcinoma. Review status: no classification provided. Collection method: in vitro. Allele origin: not applicable. Functional consequence: retained intron. Not counted in ClinVar's aggregate classification.

Dr. Peter K. Rogan Lab, Western University
No classification provided (evidence only). Condition: Hepatocellular carcinoma. Review status: no classification provided. Collection method: in vitro. Allele origin: not applicable. Functional consequence: retained intron. Not counted in ClinVar's aggregate classification.

Dr. Peter K. Rogan Lab, Western University
No classification provided (evidence only). Condition: Hepatocellular carcinoma. Review status: no classification provided. Collection method: in vitro. Allele origin: not applicable. Functional consequence: skipped exon, retained intron. Not counted in ClinVar's aggregate classification.